The following is an entry in ClinVar:

ClinVar aggregate classification (germline): Likely benign (0 of 4 stars; one submission).

Conditions:
NR3C2-related disorder. Also called: NR3C2-related disorders; NR3C2-related condition.

Allele frequency attached by ClinVar (database versions not stated): TOPMed 0.00006; 1000 Genomes Project 30x 0.00016; 1000 Genomes Project 0.00020.
gnomAD v4.1: 27 of 1,602,972 alleles (0.0017%); highest among the groups gnomAD compares: African/African-American, 0.033%; no homozygotes.

Submission:

PreventionGenetics, part of Exact Sciences
Classification: Likely benign for NR3C2-related condition. Last evaluated: 2019-04-11. Review status: no assertion criteria provided. Collection method: clinical testing. Allele origin: germline.
Comment: This variant is classified as likely benign based on ACMG/AMP sequence variant interpretation guidelines (Richards et al. 2015 PMID: 25741868, with internal and published modifications).

NM_000901.5(NR3C2):c.-1G>T

Gene: NR3C2 (nuclear receptor subfamily 3 group C member 2; minus strand). Cytogenetic location: 4q31.23.
Variant type: single nucleotide variant.
Coding change: c.-1G>T on transcript NM_000901.5 (MANE Select); 1 bases upstream of the start codon, G replaced by T.
Molecular consequence: 5 prime UTR variant. On other transcripts: non-coding transcript variant (1).
Genome position (GRCh38, 1-based): chr4:148,436,861, C>A on the plus strand (G>T on the coding strand, the complement: NR3C2 is on the minus strand). VCF-style: chr4-148436861-C-A. GRCh37 (hg19) VCF-style: chr4-149358013-C-A.
Other names: c.-1G>T (NM_001166104.2, NM_001354819.1).
Identifiers: ClinVar variation 3058120 (VCV003058120.2), dbSNP rs545072192, ClinGen allele CA3100540.
Genomic context (GRCh38, chr4:148,436,861, plus strand): 5'-ACCCCACCGTCTTTCCATATCTAGACCTTCAGGGAGACTGTGGTAGCCTTTGGTCTCCAT[C>A]GCTAACAAATAAATTTACATTAAAAAATTAGAGTCAGTTATAGCAATATTACTCTAAAAG-3'